The following is an entry in ClinVar:

GRCh37/hg19 1q31.1-31.3(chr1:190020202-193975983)x1

Genes: B3GALT2 (beta-1,3-galactosyltransferase 2; minus strand), BRINP3 (BMP/retinoic acid inducible neural specific 3; minus strand), CDC73 (cell division cycle 73; plus strand), GLRX2 (glutaredoxin 2; minus strand), RGS1 (regulator of G protein signaling 1; plus strand) and 6 more. Cytogenetic location: 1q31.1-31.3.
Variant type: copy number loss.
Change: copy number 1 (one copy instead of two) of chr1:190,020,202-193,975,983 (3.96 Mb, GRCh37 coordinates, 1-based), cytogenetic band 1q31.1-31.3.
Identifiers: ClinVar variation 3391872 (VCV003391872.1).

ClinVar aggregate classification (germline): Pathogenic (1 of 4 stars; one submission).

Submission:

Quest Diagnostics Nichols Institute San Juan Capistrano
Classification: Pathogenic. Last evaluated: 2023-09-20. Review status: criteria provided, single submitter. Criteria: ACMG/ClinGen CNV Guidelines, 2019. Collection method: clinical testing. Allele origin: unknown.
Comment: This loss involves multiple protein-coding genes, including CDC73 (OMIM 607393). Haploinsufficiency of CDC73 is associated with autosomal dominant hyperparathyroidism with jaw tumors (HPT-JT; OMIM 145001; CCID:006817; Cascon 2011, Doumingues 2012, Rubinstein 2017, van der Tuin 2017, Hatabu 2019). Thus, this copy number variant (CNV) is classified as pathogenic. References: Cascon et al., Genes Chromosomes Cancer. 2011 Nov;50(11):922-9. PMID: 21837707; Doumingues et al., Clin Endocrinol (Oxf). 2012 Jan;76(1):33-8. PMID: 21790700; Hatabu et al., Horm Res Paediatr. 2019;92(1):56-63. PMID: 30739106; Rubinstein et al., J Endocr Soc. 2017 May 25;1(7):926-930. PMID: 29264543; van der Tuin et al., J Clin Endocrinol Metab. 2017 Dec 1;102(12):4534-4540. PMID: 29040582